The following is an entry in ClinVar:

ClinVar aggregate classification (germline): Uncertain significance. Review status: criteria provided, multiple submitters, no conflicts (2 of 4 stars). 2 submissions from 2 submitters: Uncertain significance (2). Last evaluated 2025-01-23.

Allele frequency attached by ClinVar (database versions not stated): ExAC 0.00007; ESP Exome Variant Server 0.00008; TOPMed 0.00008.
gnomAD v4.1: 149 of 1,612,732 alleles (0.0092%); highest among the groups gnomAD compares: Non-Finnish European, 0.011%; no homozygotes.

Submissions (2):

Labcorp Genetics (formerly Invitae), Labcorp
Classification: Uncertain significance. Last evaluated: 2025-01-23. Review status: criteria provided, single submitter. Criteria: Invitae Variant Classification Sherloc (09022015). Collection method: clinical testing. Allele origin: germline.
Comment: This sequence change replaces proline, which is neutral and non-polar, with leucine, which is neutral and non-polar, at codon 916 of the LRP2 protein (p.Pro916Leu). This variant is present in population databases (rs375755424, gnomAD 0.01%). This variant has not been reported in the literature in individuals affected with LRP2-related conditions. ClinVar contains an entry for this variant (Variation ID: 1512309). Invitae Evidence Modeling of protein sequence and biophysical properties (such as structural, functional, and spatial information, amino acid conservation, physicochemical variation, residue mobility, and thermodynamic stability) indicates that this missense variant is not expected to disrupt LRP2 protein function with a negative predictive value of 80%. In summary, the available evidence is currently insufficient to determine the role of this variant in disease. Therefore, it has been classified as a Variant of Uncertain Significance.

Blueprint Genetics
Classification: Uncertain significance. Last evaluated: 2024-11-12. Review status: criteria provided, single submitter. Criteria: ACMG Guidelines, 2015. Collection method: clinical testing. Allele origin: germline.

NM_004525.3(LRP2):c.2747C>T (p.Pro916Leu)

Gene: LRP2 (LDL receptor related protein 2; minus strand). Cytogenetic location: 2q31.1.
Variant type: single nucleotide variant.
Coding change: c.2747C>T on transcript NM_004525.3 (MANE Select); coding-DNA position 2747, C replaced by T.
Protein change: p.Pro916Leu; replaces proline 916 with leucine.
Molecular consequence: missense variant.
Genome position (GRCh38, 1-based): chr2:169,256,129, G>A on the plus strand (C>T on the coding strand, the complement: LRP2 is on the minus strand). VCF-style: chr2-169256129-G-A. GRCh37 (hg19) VCF-style: chr2-170112639-G-A.
Other names: short protein forms P916L.
Identifiers: ClinVar variation 1512309 (VCV001512309.7), dbSNP rs375755424, ClinGen allele CA1955221.
Genomic context (GRCh38, chr2:169,256,129, plus strand): 5'-TAAAAACAATACATACTTTTATTGCTTTAAAACATACCTCCAAAGATGGCAAGTCCAAAC[G>A]GATGTGTCATCTGCTCTATATGGCCCAGTCTTCTTCTGTCTAAACCATCAAAGGTGCTGT-3'
Protein context (NP_004516.2, residues 906-926): RLGHIEQMTH[Pro916Leu]FGLAIFGEHL